The following is an entry in ClinVar:

ClinVar aggregate classification (germline): Benign/Likely benign. Review status: criteria provided, multiple submitters, no conflicts (2 of 4 stars). 2 submissions from 2 submitters: Benign (1); Likely benign (1). Last evaluated 2025-10-08.

Conditions:
SCN2A-related disorder. Also called: SCN2A-related condition; SCN2A-related disorders. Identifiers: MedGen CN382226, MONDO:1060245.
Seizures, benign familial infantile, 3 (BFIS3). Also called: Familial neonatal seizures; CONVULSIONS, BENIGN FAMILIAL INFANTILE, 3. Identifiers: Orphanet 140927, Orphanet 306, MedGen C1843140, MONDO:0011904, OMIM 607745.
Developmental and epileptic encephalopathy, 11 (DEE11). Also called: Early infantile epileptic encephalopathy 11. Identifiers: Orphanet 1934, MedGen C3150987, MONDO:0013388, OMIM 613721.

Submissions (2):

Labcorp Genetics (formerly Invitae), Labcorp
Classification: Benign for Seizures, benign familial infantile, 3; Developmental and epileptic encephalopathy, 11. Last evaluated: 2025-10-08. Review status: criteria provided, single submitter. Criteria: Invitae Variant Classification Sherloc (09022015). Collection method: clinical testing. Allele origin: germline.

PreventionGenetics, part of Exact Sciences
Classification: Likely benign for SCN2A-related condition. Last evaluated: 2024-10-07. Review status: criteria provided, single submitter. Criteria: ACMG Guidelines, 2015. Collection method: clinical testing. Allele origin: germline.
Comment: This variant is classified as likely benign based on ACMG/AMP sequence variant interpretation guidelines (Richards et al. 2015 PMID: 25741868, with internal and published modifications).

NM_001040142.2(SCN2A):c.2150-8del

Gene: SCN2A (sodium voltage-gated channel alpha subunit 2; plus strand). Cytogenetic location: 2q24.3.
Variant type: Deletion.
Coding change: c.2150-8del on transcript NM_001040142.2 (MANE Select); 8 bases into the intron before coding-DNA position 2150, one base deleted (T; older notation c.2150-8delT).
Molecular consequence: intron variant.
Genome position (GRCh38, 1-based): chr2:165,331,322, T deleted; the last of 7 consecutive T bases (chr2:165,331,316-165,331,322); deleting any one gives the same sequence. VCF-style (leftmost placement, unchanged base first): chr2-165331315-CT-C. GRCh37 (hg19) VCF-style: chr2-166187825-CT-C.
Other names: c.2150-8del (NM_001040143.2, NM_001371246.1, NM_001371247.1 and 1 more transcripts); c.2150-8delT (NM_021007.2).
Identifiers: ClinVar variation 1592031 (VCV001592031.9), dbSNP rs746100466, ClinGen allele CA1939942.